The following is an entry in ClinVar:

NC_000016.9:g.(?_2114263)_(2141185_?)dup

Genes: MIR1225 (microRNA 1225; minus strand), PKD1 (polycystin 1, transient receptor potential channel interacting; minus strand), TSC2 (TSC complex subunit 2; plus strand). Cytogenetic location: 16p13.3.
Variant type: Duplication.
Identifiers: ClinVar variation 1019531 (VCV001019531.1).

ClinVar aggregate classification (germline): Uncertain significance (1 of 4 stars; one submission).

Conditions:
Tuberous sclerosis 2 (TSC2). Identifiers: Orphanet 805, MedGen C1860707, MONDO:0013199, OMIM 613254.

Submission:

Labcorp Genetics (formerly Invitae), Labcorp
Classification: Uncertain significance for Tuberous sclerosis 2. Last evaluated: 2020-10-09. Review status: criteria provided, single submitter. Criteria: Invitae Variant Classification Sherloc (09022015). Collection method: clinical testing. Allele origin: germline.
Comment: This variant results in a copy number gain of the genomic region encompassing exon(s) 15-42 of the TSC2 gene. The 5' boundary is likely confined to intron 14. The 3' end of this event is unknown as it extends beyond the assayed region for this gene and therefore may encompass additional genes. As the precise location of this event is unknown, it may be in tandem or it may be located elsewhere in the genome. This variant has not been reported in the literature in individuals with TSC2-related conditions. Experimental studies and prediction algorithms are not available or were not evaluated, and the functional significance of this variant is currently unknown. In summary, the available evidence is currently insufficient to determine the role of this variant in disease. Therefore, it has been classified as a Variant of Uncertain Significance.